The following is an entry in ClinVar:

NM_020693.4(DSCAML1):c.5891C>G (p.Ala1964Gly)

Gene: DSCAML1 (DS cell adhesion molecule like 1; minus strand). Cytogenetic location: 11q23.3.
Variant type: single nucleotide variant.
Coding change: c.5891C>G on transcript NM_020693.4 (MANE Select); coding-DNA position 5891, C replaced by G.
Protein change: p.Ala1964Gly; replaces alanine 1964 with glycine.
Molecular consequence: missense variant.
Genome position (GRCh38, 1-based): chr11:117,428,599, G>C on the plus strand (C>G on the coding strand, the complement: DSCAML1 is on the minus strand). VCF-style: chr11-117428599-G-C. GRCh37 (hg19) VCF-style: chr11-117299315-G-C.
Other names: c.6071C>G (NM_020693.2); short protein forms A1964G.
Identifiers: ClinVar variation 1907118 (VCV001907118.6), dbSNP rs1259189993, ClinGen allele CA382751200.

ClinVar aggregate classification (germline): Uncertain significance. Review status: criteria provided, multiple submitters, no conflicts (2 of 4 stars). 2 submissions from 2 submitters: Uncertain significance (2). Last evaluated 2025-11-24.

Allele frequency attached by ClinVar (database versions not stated): gnomAD 0.00002; TOPMed 0.00002.
gnomAD v4.1: 7 of 1,600,974 alleles (0.00044%); highest among the groups gnomAD compares: African/African-American, 0.0054%; no homozygotes.

Submissions (2):

Ambry Genetics
Classification: Uncertain significance. Last evaluated: 2025-11-24. Review status: criteria provided, single submitter. Criteria: Ambry Variant Classification Scheme 2023. Collection method: clinical testing. Allele origin: germline.

Labcorp Genetics (formerly Invitae), Labcorp
Classification: Uncertain significance. Last evaluated: 2024-11-05. Review status: criteria provided, single submitter. Criteria: Invitae Variant Classification Sherloc (09022015). Collection method: clinical testing. Allele origin: germline.
Comment: This sequence change replaces alanine, which is neutral and non-polar, with glycine, which is neutral and non-polar, at codon 2024 of the DSCAML1 protein (p.Ala2024Gly). This variant is present in population databases (no rsID available, gnomAD 0.003%). This variant has not been reported in the literature in individuals affected with DSCAML1-related conditions. ClinVar contains an entry for this variant (Variation ID: 1907118). An algorithm developed to predict the effect of missense changes on protein structure and function (PolyPhen-2) suggests that this variant is likely to be tolerated. In summary, the available evidence is currently insufficient to determine the role of this variant in disease. Therefore, it has been classified as a Variant of Uncertain Significance.